The following is an entry in ClinVar:

NM_000744.7(CHRNA4):c.1799G>A (p.Arg600His)

Gene: CHRNA4 (cholinergic receptor nicotinic alpha 4 subunit; minus strand). Cytogenetic location: 20q13.33.
Variant type: single nucleotide variant.
Coding change: c.1799G>A on transcript NM_000744.7 (MANE Select); coding-DNA position 1799, G replaced by A.
Protein change: p.Arg600His; replaces arginine 600 with histidine.
Molecular consequence: missense variant. On other transcripts: non-coding transcript variant (1).
Genome position (GRCh38, 1-based): chr20:63,346,823, C>T on the plus strand (G>A on the coding strand, the complement: CHRNA4 is on the minus strand). VCF-style: chr20-63346823-C-T. GRCh37 (hg19) VCF-style: chr20-61978175-C-T.
Other names: c.1271G>A, p.Arg424His (NM_001256573.2); short protein forms R424H, R600H.
Identifiers: ClinVar variation 939463 (VCV000939463.5), dbSNP rs752686095, ClinGen allele CA9957491.

ClinVar aggregate classification (germline): Uncertain significance (1 of 4 stars; one submission).

Conditions:
Familial sleep-related hypermotor epilepsy. Also called: Autosomal Dominant Sleep-Related Hypermotor (Hyperkinetic) Epilepsy. Identifiers: Orphanet 98784, MedGen C3696898, MONDO:0000030.

Allele frequency attached by ClinVar (database versions not stated): TOPMed below 0.00001; gnomAD 0.00001; gnomAD exomes 0.00001.
gnomAD v4.1: 16 of 1,612,526 alleles (0.00099%); highest among the groups gnomAD compares: Non-Finnish European, 0.0013%; no homozygotes.

Submission:

Labcorp Genetics (formerly Invitae), Labcorp
Classification: Uncertain significance. Last evaluated: 2022-08-20. Review status: criteria provided, single submitter. Criteria: Invitae Variant Classification Sherloc (09022015). Collection method: clinical testing. Allele origin: germline.
Comment: Algorithms developed to predict the effect of missense changes on protein structure and function (SIFT, PolyPhen-2, Align-GVGD) all suggest that this variant is likely to be disruptive. In summary, the available evidence is currently insufficient to determine the role of this variant in disease. Therefore, it has been classified as a Variant of Uncertain Significance. ClinVar contains an entry for this variant (Variation ID: 939463). This sequence change replaces arginine, which is basic and polar, with histidine, which is basic and polar, at codon 600 of the CHRNA4 protein (p.Arg600His). This variant is present in population databases (rs752686095, gnomAD 0.006%). This variant has not been reported in the literature in individuals affected with CHRNA4-related conditions.